The following is an entry in ClinVar:

ClinVar aggregate classification (germline): Pathogenic (0 of 4 stars; one submission).

Conditions:
Deficiency of ferroxidase (ACEP). Also called: Deficiency of ceruloplasmin; Aceruloplasminemia; Ceruloplasmin deficiency; Familial apoceruloplasmin deficiency; Hereditary ceruloplasmin deficiency; NEURODEGENERATION WITH BRAIN IRON ACCUMULATION 10. Identifiers: Orphanet 48818, MedGen C0878682, MONDO:0011426, OMIM 604290, HP:0025498.

Submission:

GeneReviews
Classification: Pathogenic for Aceruloplasminemia. Last evaluated: 2013-04-18. Review status: no assertion criteria provided. Collection method: curation. Allele origin: unknown.
ClinVar note: Converted during submission from pathologic to Pathogenic.

NM_000096.4(CP):c.2068del (p.Asp690fs)

Gene: CP (ceruloplasmin; minus strand). Cytogenetic location: 3q24.
Variant type: Deletion.
Coding change: c.2068del on transcript NM_000096.4 (MANE Select); coding-DNA position 2068, one base deleted (G; older notation c.2068delG).
Protein change: p.Asp690fs; shifts the reading frame from aspartic acid 690.
Molecular consequence: frameshift variant.
Genome position (GRCh38, 1-based): chr3:149,186,529, C deleted on the plus strand (G on the coding strand, the reverse complement: CP is on the minus strand). VCF-style (leftmost placement, unchanged base first): chr3-149186528-TC-T. GRCh37 (hg19) VCF-style: chr3-148904315-TC-T.
Other names: c.2068delG; short protein forms D690fs.
Identifiers: ClinVar variation 42144 (VCV000042144.3), dbSNP rs386134148, ClinGen allele CA344602.